The following is an entry in ClinVar:

ClinVar aggregate classification (germline): Benign (0 of 4 stars; one submission).

Conditions:
IL4R-related disorder. Also called: IL4R-related condition.

Allele frequency attached by ClinVar (database versions not stated): 1000 Genomes Project 0.08806; 1000 Genomes Project 30x 0.08807; ExAC 0.09567; TOPMed 0.09685; gnomAD 0.09859; ESP Exome Variant Server 0.10128; gnomAD exomes 0.10747.
gnomAD v4.1: 171,394 of 1,613,770 alleles (11%); highest among the groups gnomAD compares: Admixed American, 12%; 9,531 homozygotes.

Submission:

PreventionGenetics, part of Exact Sciences
Classification: Benign for IL4R-related condition. Last evaluated: 2019-10-28. Review status: no assertion criteria provided. Collection method: clinical testing. Allele origin: germline.
Comment: This variant is classified as benign based on ACMG/AMP sequence variant interpretation guidelines (Richards et al. 2015 PMID: 25741868, with internal and published modifications).

NM_000418.4(IL4R):c.1291T>C (p.Cys431Arg)

Gene: IL4R (interleukin 4 receptor; plus strand). Cytogenetic location: 16p12.1.
Variant type: single nucleotide variant.
Coding change: c.1291T>C on transcript NM_000418.4 (MANE Select); coding-DNA position 1291, T replaced by C.
Protein change: p.Cys431Arg; replaces cysteine 431 with arginine.
Molecular consequence: missense variant.
Genome position (GRCh38, 1-based): chr16:27,362,643, T>C. VCF-style: chr16-27362643-T-C. GRCh37 (hg19) VCF-style: chr16-27373964-T-C.
Other names: c.1291T>C, p.Cys431Arg (NM_001257406.2); c.1246T>C, p.Cys416Arg (NM_001257407.2); c.811T>C, p.Cys271Arg (NM_001257997.2); short protein forms C271R, C416R, C431R.
Identifiers: ClinVar variation 3056489 (VCV003056489.2), dbSNP rs1805012, ClinGen allele CA7974530.